The following is an entry in ClinVar:

NM_182916.3(TRNT1):c.196G>T (p.Val66Leu)

Gene: TRNT1 (tRNA nucleotidyl transferase 1; plus strand). Cytogenetic location: 3p26.2.
Variant type: single nucleotide variant.
Coding change: c.196G>T on transcript NM_182916.3 (MANE Select); coding-DNA position 196, G replaced by T.
Protein change: p.Val66Leu; replaces valine 66 with leucine.
Molecular consequence: missense variant. On other transcripts: non-coding transcript variant (8).
Genome position (GRCh38, 1-based): chr3:3,137,307, G>T. VCF-style: chr3-3137307-G-T. GRCh37 (hg19) VCF-style: chr3-3178991-G-T.
Other names: p.Val66Leu; c.196G>T, p.Val66Leu (NM_001302946.2, NM_001367321.1, NM_001367322.1 and 1 more transcripts); short protein forms V66L.
Identifiers: ClinVar variation 4082156 (VCV004082156.1).
Genomic context (GRCh38, chr3:3,137,307, plus strand): 5'-TCTCTCATCTCAGAATTATTTGTCAAAGAGAATCACGAATTAAGAATAGCAGGAGGAGCA[G>T]TGAGGGATTTATTAAATGGAGTAAAGCCTCAGGATATAGATTTTGCCACCACTGCTACCC-3'
Protein context (NP_886552.3, residues 56-76): NHELRIAGGA[Val66Leu]RDLLNGVKPQ

ClinVar aggregate classification (germline): Uncertain significance (1 of 4 stars; one submission).

Conditions:
Congenital sideroblastic anemia-B-cell immunodeficiency-periodic fever-developmental delay syndrome. Also called: Sideroblastic anemia with B-cell immunodeficiency, periodic fevers, and developmental delay. Identifiers: Orphanet 369861, MedGen C4015172, MONDO:0014487, OMIM 616084.

Submission:

Department of Molecular Genetics, Istishari Arab Hospital
Classification: Uncertain significance for Congenital sideroblastic anemia-B-cell immunodeficiency-periodic fever-developmental delay syndrome. Last evaluated: 2025-09-08. Review status: criteria provided, single submitter. Criteria: ACMG Guidelines, 2015. Collection method: clinical testing. Allele origin: germline. Inheritance: Autosomal recessive inheritance. Affected: yes.
Comment: The TRNT1 variant c.196G>T, p.Val66Leu creates an amino acid change from Val to Leu at position 66. To the best of our knowledge, this variant has not been previously reported in the literature and is not observed in the gnomAD v4.1.0 dataset. It is classified as variant of uncertain significance based on ACMG/AMP/ClinGen SVI guidelines.